The following is an entry in ClinVar:

ClinVar aggregate classification (germline): Benign. Review status: criteria provided, multiple submitters, no conflicts (2 of 4 stars). 13 submissions from 9 submitters: Benign (12). 1 of the submissions does not count toward it. Last evaluated 2026-02-04.

Conditions:
Epidermolysis bullosa simplex 5C, with pyloric atresia (EBS5C). Also called: PLEC-Related Epidermolysis Bullosa with Pyloric Atresia; Epidermolysis bullosa simplex with pyloric atresia; PLEC1-Related Epidermolysis Bullosa with Pyloric Atresia. Identifiers: Orphanet 158684, MedGen C2677349, MONDO:0012807, OMIM 612138.
Autosomal recessive limb-girdle muscular dystrophy type 2Q (LGMDR17). Also called: MUSCULAR DYSTROPHY, LIMB-GIRDLE, AUTOSOMAL RECESSIVE 17. Identifiers: Orphanet 254361, MedGen C3150989, MONDO:0013390, OMIM 613723.
Epidermolysis bullosa simplex with nail dystrophy (EBS5D). Identifiers: MedGen C4225309, MONDO:0014661, OMIM 616487.
Epidermolysis bullosa simplex 5B, with muscular dystrophy (EBS5B). Also called: Epidermolysis bullosa simplex with muscular dystrophy; EPIDERMOLYSIS BULLOSA SIMPLEX AND LIMB-GIRDLE MUSCULAR DYSTROPHY. Identifiers: Orphanet 257, MedGen C2931072, MONDO:0009181, OMIM 226670.
Epidermolysis bullosa simplex, Ogna type (EBS5A). Also called: Pidermolysis bullosa simplex 5A, Ogna type; EPIDERMOLYSIS BULLOSA SIMPLEX 5A, OGNA TYPE. Identifiers: Orphanet 79401, MedGen C0432317, MONDO:0007555, OMIM 131950.

Allele frequency attached by ClinVar (database versions not stated): 1000 Genomes Project 30x 0.23126; 1000 Genomes Project 0.23143; TOPMed 0.27612; gnomAD 0.29245 and 0.29401; ESP Exome Variant Server 0.29247; ExAC 0.33022; gnomAD exomes 0.33102 and 0.37563.
gnomAD v4.1: 592,731 of 1,612,054 alleles (37%); highest among the groups gnomAD compares: Non-Finnish European, 40%; 114,126 homozygotes.

Submissions (13):

Labcorp Genetics (formerly Invitae), Labcorp
Classification: Benign for Autosomal recessive limb-girdle muscular dystrophy type 2Q; Epidermolysis bullosa simplex, Ogna type; Epidermolysis bullosa simplex with nail dystrophy; Epidermolysis bullosa simplex 5C, with pyloric atresia; Epidermolysis bullosa simplex 5B, with muscular dystrophy. Last evaluated: 2026-02-04. Review status: criteria provided, single submitter. Criteria: Invitae Variant Classification Sherloc (09022015). Collection method: clinical testing. Allele origin: germline.

Genome-Nilou Lab
Classification: Benign for Epidermolysis bullosa simplex with nail dystrophy. Last evaluated: 2021-10-25. Review status: criteria provided, single submitter. Criteria: ACMG Guidelines, 2015. Collection method: clinical testing. Allele origin: germline. Affected: no.

Genome-Nilou Lab
Classification: Benign for Epidermolysis bullosa simplex, Ogna type. Last evaluated: 2021-10-25. Review status: criteria provided, single submitter. Criteria: ACMG Guidelines, 2015. Collection method: clinical testing. Allele origin: germline. Affected: no.

Genome-Nilou Lab
Classification: Benign for Epidermolysis bullosa simplex 5B, with muscular dystrophy. Last evaluated: 2021-10-25. Review status: criteria provided, single submitter. Criteria: ACMG Guidelines, 2015. Collection method: clinical testing. Allele origin: germline. Affected: no.

Genome-Nilou Lab
Classification: Benign for Epidermolysis bullosa simplex 5C, with pyloric atresia. Last evaluated: 2021-10-25. Review status: criteria provided, single submitter. Criteria: ACMG Guidelines, 2015. Collection method: clinical testing. Allele origin: germline. Affected: no.

Genome-Nilou Lab
Classification: Benign for Autosomal recessive limb-girdle muscular dystrophy type 2Q. Last evaluated: 2021-10-25. Review status: criteria provided, single submitter. Criteria: ACMG Guidelines, 2015. Collection method: clinical testing. Allele origin: germline. Affected: no.

Mayo Clinic Laboratories, Mayo Clinic
Classification: Benign. Last evaluated: 2017-07-24. Review status: criteria provided, single submitter. Criteria: ACMG Guidelines, 2015. Collection method: clinical testing. Allele origin: germline. Observed: 761 variant alleles.

GeneDx
Classification: Benign. Last evaluated: 2015-03-03. Review status: criteria provided, single submitter. Criteria: GeneDx Variant Classification Process June 2021. Collection method: clinical testing. Allele origin: germline. Affected: yes.

Laboratory for Molecular Medicine, Mass General Brigham Personalized Medicine
Classification: Benign. Last evaluated: 2015-01-13. Review status: criteria provided, single submitter. Criteria: LMM Criteria. Collection method: clinical testing. Allele origin: germline. Observed: 7 variant alleles.
Comment: p.Asp502Asp in exon 11 of PLEC: This variant is not expected to have clinical si gnificance because it does not alter an amino acid residue and is not located wi thin the splice consensus sequence. It has been identified in 38.4% (3220/8386) of European American chromosomes from a broad population by the NHLBI Exome Sequ encing Project (dbSNP rs11783799).

Eurofins Ntd Llc (ga)
Classification: Benign. Last evaluated: 2014-05-21. Review status: criteria provided, single submitter. Criteria: EGL Classification Definitions 2015. Collection method: clinical testing. Allele origin: germline. Observed: 4 variant alleles, 4 heterozygotes.

Breakthrough Genomics
Classification: Benign. Review status: criteria provided, single submitter. Criteria: ACMG Guidelines, 2015. Collection method: not provided. Allele origin: germline. Inheritance: Autosomal recessive inheritance. Affected: yes.

PreventionGenetics, part of Exact Sciences
Classification: Benign. Review status: criteria provided, single submitter. Criteria: ACMG Guidelines, 2015. Collection method: clinical testing. Allele origin: germline.

Genetic Services Laboratory, University of Chicago
Classification: Likely benign for AllHighlyPenetrant. Review status: no assertion criteria provided. Collection method: clinical testing. Allele origin: germline. Inheritance: Autosomal recessive inheritance. Not counted in ClinVar's aggregate classification.
Comment: Likely benign based on allele frequency in 1000 Genomes Project or ESP global frequency and its presence in a patient with a rare or unrelated disease phenotype. NOT Sanger confirmed.

NM_201384.3(PLEC):c.1095T>C (p.Asp365=)

Gene: PLEC (plectin; minus strand). Cytogenetic location: 8q24.3.
Variant type: single nucleotide variant.
Coding change: c.1095T>C on transcript NM_201384.3 (MANE Select); coding-DNA position 1095, T replaced by C.
Protein change: p.Asp365=; no amino-acid change (aspartic acid 365 retained).
Molecular consequence: synonymous variant.
Genome position (GRCh38, 1-based): chr8:143,934,392, A>G on the plus strand (T>C on the coding strand, the complement: PLEC is on the minus strand). VCF-style: chr8-143934392-A-G. GRCh37 (hg19) VCF-style: chr8-145008560-A-G.
Other names: p.Asp351=; c.1176T>C, p.Asp392= (NM_000445.5); c.1053T>C, p.Asp351= (NM_201378.4); c.1029T>C, p.Asp343= (NM_201379.3); c.1506T>C, p.Asp502= (NM_201380.4); c.999T>C, p.Asp333= (NM_201381.3); c.1095T>C, p.Asp365= (NM_201382.4); c.1107T>C, p.Asp369= (NM_201383.3).
Identifiers: ClinVar variation 129928 (VCV000129928.28), dbSNP rs11783799, ClinGen allele CA154389.
Genomic context (GRCh38, chr8:143,934,392, plus strand): 5'-GCGGAGCTGCTTCTCCCGCTCCAGGATGGCCACGTGCAGCTTGCCCCACTCCTTCTCCAC[A>G]TCCAGCGGGTGGTAGCCAGGGGGCACCTTGAGCTGGCCTGCTTGCACCGCTCCCTGTAGA-3'
Protein context (NP_958786.1, residues 355-375): LKVPPGYHPL[Asp365=]VEKEWGKLHV